The following is an entry in ClinVar:

ClinVar aggregate classification (germline): Likely pathogenic (3 of 4 stars; one submission).

Conditions:
Glanzmann thrombasthenia. Also called: Glanzmann's thrombasthenia; PLATELET GLYCOPROTEIN IIb-IIIa DEFICIENCY; BLEEDING DISORDER, PLATELET-TYPE, 2; THROMBASTHENIA OF GLANZMANN AND NAEGELI; Thrombasthenia. Identifiers: Orphanet 849, MedGen C0040015, MONDO:0100326.

Submission:

ClinGen Platelet Disorders Variant Curation Expert Panel, ClinGen
Classification: Likely pathogenic for Glanzmann thrombasthenia. Last evaluated: 2023-11-02. Review status: reviewed by expert panel. Criteria: ClinGen Platelet ACMG Specifications v2-1. Collection method: curation. Allele origin: germline. Inheritance: Autosomal recessive inheritance.
Comment: The NM_000212.3:c.1801T>G in ITGB3 results in the missense change, Cys601Gly. The variant is absent from gnomAD v2.1.1 and v3 and meets criteria for PM2. The variant is reported in a homozygous (PM3_supporting) GT patient meeting the GT phenotype criteria (PMID: 16879215; PP4_moderate). The REVEL score for this variant is high (0.985), meeting PP3. The variant occurs at the same residue at which another missense variant, Cys601Arg, which has been classified as pathogenic by the Platelet Disorders VCEP (PM5). In summary, this variant meets criteria to be classified as likely pathogenic. GT-specific criteria met: PM2_Supporting, PP4_Moderate, PP3, PM3_Supporting, PM5.

NM_000212.3(ITGB3):c.1801T>G (p.Cys601Gly)

Gene: ITGB3 (integrin subunit beta 3; plus strand). Cytogenetic location: 17q21.32.
Variant type: single nucleotide variant.
Coding change: c.1801T>G on transcript NM_000212.3 (MANE Select); coding-DNA position 1801, T replaced by G.
Protein change: p.Cys601Gly; replaces cysteine 601 with glycine.
Molecular consequence: missense variant.
Genome position (GRCh38, 1-based): chr17:47,299,418, T>G. VCF-style: chr17-47299418-T-G. GRCh37 (hg19) VCF-style: chr17-45376784-T-G.
Other names: short protein forms C601G.
Identifiers: ClinVar variation 996182 (VCV000996182.3), dbSNP rs747534508, ClinGen allele CA400032570.